The following is an entry in ClinVar:

ClinVar aggregate classification (germline): Uncertain significance (1 of 4 stars; one submission).

Conditions:
Autosomal recessive axonal neuropathy with neuromyotonia (NMAN). Also called: MYOKYMIA, MYOTONIA, AND MUSCLE WASTING; Gamstorp-Wohlfart syndrome; Neuromyotonia and axonal neuropathy, autosomal recessive. Identifiers: Orphanet 324442, MedGen C5700127, MONDO:0007646, OMIM 137200.

gnomAD v4.1: 2 of 1,611,092 alleles (0.00012%); highest among the groups gnomAD compares: African/African-American, 0.0013%; no homozygotes.

Submission:

Labcorp Genetics (formerly Invitae), Labcorp
Classification: Uncertain significance for Autosomal recessive axonal neuropathy with neuromyotonia. Last evaluated: 2022-01-26. Review status: criteria provided, single submitter. Criteria: Invitae Variant Classification Sherloc (09022015). Collection method: clinical testing. Allele origin: germline.
Comment: In summary, the available evidence is currently insufficient to determine the role of this variant in disease. Therefore, it has been classified as a Variant of Uncertain Significance. Algorithms developed to predict the effect of missense changes on protein structure and function (SIFT, PolyPhen-2, Align-GVGD) all suggest that this variant is likely to be tolerated. This variant has not been reported in the literature in individuals affected with HINT1-related conditions. This variant is not present in population databases (gnomAD no frequency). This sequence change replaces proline, which is neutral and non-polar, with arginine, which is basic and polar, at codon 13 of the HINT1 protein (p.Pro13Arg).

NM_005340.7(HINT1):c.38C>G (p.Pro13Arg)

Gene: HINT1 (histidine triad nucleotide binding protein 1; minus strand). Cytogenetic location: 5q23.3.
Variant type: single nucleotide variant.
Coding change: c.38C>G on transcript NM_005340.7 (MANE Select); coding-DNA position 38, C replaced by G.
Protein change: p.Pro13Arg; replaces proline 13 with arginine.
Molecular consequence: missense variant. On other transcripts: non-coding transcript variant (5).
Genome position (GRCh38, 1-based): chr5:131,165,168, G>C on the plus strand (C>G on the coding strand, the complement: HINT1 is on the minus strand). VCF-style: chr5-131165168-G-C. GRCh37 (hg19) VCF-style: chr5-130500861-G-C.
Other names: short protein forms P13R.
Identifiers: ClinVar variation 1974677 (VCV001974677.5), dbSNP rs2479577691, ClinGen allele CA360839137.